The following is an entry in ClinVar:

ClinVar aggregate classification (germline): Uncertain significance. Review status: criteria provided, multiple submitters, no conflicts (2 of 4 stars). 2 submissions from 2 submitters: Uncertain significance (2). Last evaluated 2026-04-06.

Conditions:
Inborn genetic diseases. Identifiers: MedGen C0950123, MeSH D030342.

Allele frequency attached by ClinVar (database versions not stated): gnomAD 0.00001; ExAC 0.00001.
gnomAD v4.1: 4 of 1,540,908 alleles (0.00026%); highest among the groups gnomAD compares: Middle Eastern, 0.017%; no homozygotes.

Submissions (2):

Ambry Genetics
Classification: Uncertain significance for Inborn genetic diseases. Last evaluated: 2026-04-06. Review status: criteria provided, single submitter. Criteria: Ambry Variant Classification Scheme 2023. Collection method: clinical testing. Allele origin: germline.
Comment: The c.1765C>T (p.R589C) alteration is located in exon 13 (coding exon 13) of the KCNQ5 gene. This alteration results from a C to T substitution at nucleotide position 1765, causing the arginine (R) at amino acid position 589 to be replaced by a cysteine (C). Based on data from gnomAD, the T allele has an overall frequency of 0.001% (2/253476) total alleles studied. The highest observed frequency was 0.002% (2/120632) of European (non-Finnish) alleles. Based on insufficient or conflicting evidence, the clinical significance of this alteration remains unclear.

Labcorp Genetics (formerly Invitae), Labcorp
Classification: Uncertain significance. Last evaluated: 2023-09-22. Review status: criteria provided, single submitter. Criteria: Invitae Variant Classification Sherloc (09022015). Collection method: clinical testing. Allele origin: germline.
Comment: In summary, the available evidence is currently insufficient to determine the role of this variant in disease. Therefore, it has been classified as a Variant of Uncertain Significance. An algorithm developed to predict the effect of missense changes on protein structure and function (PolyPhen-2) suggests that this variant is likely to be disruptive. This variant has not been reported in the literature in individuals affected with KCNQ5-related conditions. The frequency data for this variant in the population databases is considered unreliable, as metrics indicate poor data quality at this position in the gnomAD database. This sequence change replaces arginine, which is basic and polar, with cysteine, which is neutral and slightly polar, at codon 589 of the KCNQ5 protein (p.Arg589Cys).

NM_019842.4(KCNQ5):c.1708C>T (p.Arg570Cys)

Gene: KCNQ5 (potassium voltage-gated channel subfamily Q member 5; plus strand). Cytogenetic location: 6q13.
Variant type: single nucleotide variant.
Coding change: c.1708C>T on transcript NM_019842.4 (MANE Select); coding-DNA position 1708, C replaced by T.
Protein change: p.Arg570Cys; replaces arginine 570 with cysteine.
Molecular consequence: missense variant.
Genome position (GRCh38, 1-based): chr6:73,190,703, C>T. VCF-style: chr6-73190703-C-T. GRCh37 (hg19) VCF-style: chr6-73900426-C-T.
Other names: c.1681C>T, p.Arg561Cys (NM_001160130.2); c.1738C>T, p.Arg580Cys (NM_001160132.2); c.1765C>T, p.Arg589Cys (NM_001160133.2); c.1378C>T, p.Arg460Cys (NM_001160134.2); c.1765C>T (NM_001160133.1); short protein forms R460C, R570C, R580C, R589C, R561C.
Identifiers: ClinVar variation 2836094 (VCV002836094.4), dbSNP rs746729094, ClinGen allele CA3887119.